The following is an entry in ClinVar:

NM_001267550.2(TTN):c.86602G>A (p.Val28868Ile)

Genes: TTN-AS1 (TTN antisense RNA 1; plus strand), TTN (titin; minus strand). Cytogenetic location: 2q31.2.
Variant type: single nucleotide variant.
Coding change: c.86602G>A on transcript NM_001267550.2 (MANE Select); coding-DNA position 86602, G replaced by A.
Protein change: p.Val28868Ile; replaces valine 28868 with isoleucine.
Molecular consequence: missense variant.
Genome position (GRCh38, 1-based): chr2:178,559,530, C>T on the plus strand (G>A on the coding strand, the complement: TTN is on the minus strand). VCF-style: chr2-178559530-C-T. GRCh37 (hg19) VCF-style: chr2-179424257-C-T.
Other names: c.81679G>A, p.Val27227Ile (NM_001256850.1); c.59407G>A, p.Val19803Ile (NM_003319.4); c.78898G>A, p.Val26300Ile (NM_133378.4); c.59782G>A, p.Val19928Ile (NM_133432.3); c.59983G>A, p.Val19995Ile (NM_133437.4); short protein forms V28868I, V19803I, V19995I, V19928I, V26300I, V27227I.
Identifiers: ClinVar variation 5003147 (VCV005003147.1).
Genomic context (GRCh38, chr2:178,559,530, plus strand): 5'-TGGCCTCACGTTTTTCTATGTGGTAATTCTTCACTGGTGCTCCACCATCGTTTTCAGGAA[C>T]ATCCCAGGATAACACTGCAGACTCTTTGGTTACATCTTGCACAGTAATGTTGGTTGGAGG-3'
Protein context (NP_001254479.2, residues 28858-28878): TKESAVLSWD[Val28868Ile]PENDGGAPVK

ClinVar aggregate classification (germline): Uncertain significance (1 of 4 stars; one submission).

Conditions:
Tibial muscular dystrophy (TMD). Also called: UDD MYOPATHY; Tibial muscular dystrophy, tardive; Udd Distal Myopathy – Tibial Muscular Dystrophy. Identifiers: Orphanet 609, MedGen C1838244, MONDO:0010870, OMIM 600334.

gnomAD v4.1: 4 of 1,613,824 alleles (0.00025%); highest among the groups gnomAD compares: Non-Finnish European, 0.00034%; no homozygotes.

Submission:

OLLIN Analises Genomicas, OLLIN
Classification: Uncertain significance for Tibial muscular dystrophy. Last evaluated: 2026-08-06. Review status: criteria provided, single submitter. Criteria: ACMG Guidelines 2015 PMID 25741868. Collection method: clinical testing. Allele origin: germline. Inheritance: Autosomal dominant inheritance.
Comment: This missense variant, located in exon 326 (of 363), has been observed in gnomAD with an allele frequency of 0.00025%, but has not been reported in ClinVar or identified in the literature. In silico analysis predicts that this variant has a tolerated effect. This gene has high tolerance to missense variation. According to the currently available evidence, this variant has been classified as uncertain significance (PM2_P, BP1, BP4_M).